The following is an entry in ClinVar:

ClinVar aggregate classification (germline): Uncertain significance (1 of 4 stars; one submission).

Conditions:
Catecholaminergic polymorphic ventricular tachycardia 1. Also called: VENTRICULAR TACHYCARDIA, CATECHOLAMINERGIC POLYMORPHIC, 1, WITH OR WITHOUT ATRIAL DYSFUNCTION AND/OR DILATED CARDIOMYOPATHY; RYR2-Related Catecholaminergic Polymorphic Ventricular Tachycardia; VENTRICULAR TACHYCARDIA, STRESS-INDUCED POLYMORPHIC 1. Identifiers: Orphanet 3286, MedGen C1631597, MONDO:0011484, OMIM 604772.

Submission:

Labcorp Genetics (formerly Invitae), Labcorp
Classification: Uncertain significance for Catecholaminergic polymorphic ventricular tachycardia 1. Last evaluated: 2024-06-24. Review status: criteria provided, single submitter. Criteria: Invitae Variant Classification Sherloc (09022015). Collection method: clinical testing. Allele origin: germline.
Comment: This sequence change replaces leucine, which is neutral and non-polar, with isoleucine, which is neutral and non-polar, at codon 1910 of the RYR2 protein (p.Leu1910Ile). This variant is not present in population databases (gnomAD no frequency). This variant has not been reported in the literature in individuals affected with RYR2-related conditions. Advanced modeling of protein sequence and biophysical properties (such as structural, functional, and spatial information, amino acid conservation, physicochemical variation, residue mobility, and thermodynamic stability) performed at Invitae indicates that this missense variant is not expected to disrupt RYR2 protein function with a negative predictive value of 95%. Algorithms developed to predict the effect of sequence changes on RNA splicing suggest that this variant may disrupt the consensus splice site. In summary, the available evidence is currently insufficient to determine the role of this variant in disease. Therefore, it has been classified as a Variant of Uncertain Significance.

NM_001035.3(RYR2):c.5728C>A (p.Leu1910Ile)

Gene: RYR2 (ryanodine receptor 2; plus strand). Cytogenetic location: 1q43.
Variant type: single nucleotide variant.
Coding change: c.5728C>A on transcript NM_001035.3 (MANE Select); coding-DNA position 5728, C replaced by A.
Protein change: p.Leu1910Ile; replaces leucine 1910 with isoleucine.
Molecular consequence: missense variant.
Genome position (GRCh38, 1-based): chr1:237,617,298, C>A. VCF-style: chr1-237617298-C-A. GRCh37 (hg19) VCF-style: chr1-237780598-C-A.
Other names: short protein forms L1910I.
Identifiers: ClinVar variation 3633799 (VCV003633799.2).